The following is an entry in ClinVar:

ClinVar aggregate classification (germline): Uncertain significance (1 of 4 stars; one submission).

Conditions:
Snijders Blok-Campeau syndrome. Also called: INTELLECTUAL DEVELOPMENTAL DISORDER WITH MACROCEPHALY, SPEECH DELAY, AND DYSMORPHIC FACIES. Identifiers: Orphanet 599082, MedGen C4748701, MONDO:0032600, OMIM 618205.

Submission:

Victorian Clinical Genetics Services, Murdoch Childrens Research Institute
Classification: Uncertain significance for Snijders Blok-Campeau syndrome. Last evaluated: 2023-07-16. Review status: criteria provided, single submitter. Criteria: ACMG Guidelines, 2015. Collection method: clinical testing. Allele origin: germline. Inheritance: Autosomal dominant inheritance. Affected: yes.
Comment: Based on the classification scheme VCGS_Germline_v1.3.4, this variant is classified as VUS - 3A. Following criteria are met: 0103 - Loss of function and gain of function are known mechanisms of disease in this gene and are associated with Snijders Blok-Campeau syndrome (MIM#618205), however no clear genotype-phenotype correlations have been identified to determine how both overactivity and underactivity of CHD3 can result in the same phenotype (PMID: 32483341). (I) 0107 - This gene is associated with autosomal dominant disease. (I) 0115 - Variants in this gene are known to have variable expressivity. Variable expressivity has very recently been reported including inheritance from mildly affected parents (PMID: 35346573). (I) 0200 - Variant is predicted to result in a missense amino acid change from isoleucine to valine. (I) 0251 - This variant is heterozygous. (I) 0301 - Variant is absent from gnomAD (both v2 and v3). (SP) 0502 - Missense variant with conflicting in silico predictions and uninformative conservation. (I) 0600 - Variant is located in the annotated SNF2-related domain (DECIPHER). It should be noted that while the variant is not in a missense hotspot region, a number of pathogenic missense variants have been reported in this domain. (I) 0705 - No comparable missense variants have previous evidence for pathogenicity. (I) 0807 - This variant has no previous evidence of pathogenicity. (I) 0905 - No published segregation evidence has been identified for this variant. (I) 1007 - No published functional evidence has been identified for this variant. (I) 1102 - Strong phenotype match for this individual. (I) Legend: (SP) - Supporting pathogenic, (I) - Information, (SB) - Supporting benign

Literature cited by the submitters: PubMed 32483341; PubMed 35346573.

NM_001005273.3(CHD3):c.2947A>G (p.Ile983Val)

Gene: CHD3 (chromodomain helicase DNA binding protein 3; plus strand). Cytogenetic location: 17p13.1.
Variant type: single nucleotide variant.
Coding change: c.2947A>G on transcript NM_001005273.3 (MANE Select); coding-DNA position 2947, A replaced by G.
Protein change: p.Ile983Val; replaces isoleucine 983 with valine.
Molecular consequence: missense variant.
Genome position (GRCh38, 1-based): chr17:7,900,700, A>G. VCF-style: chr17-7900700-A-G. GRCh37 (hg19) VCF-style: chr17-7804018-A-G.
Other names: c.3124A>G, p.Ile1042Val (NM_001005271.3); c.2947A>G, p.Ile983Val (NM_005852.4); short protein forms I1042V, I983V.
Identifiers: ClinVar variation 1805980 (VCV001805980.2), dbSNP rs1970197007, ClinGen allele CA397940715.